The following is an entry in ClinVar:

NM_000492.4(CFTR):c.3859G>T (p.Gly1287Ter)

Genes: CFTR (CF transmembrane conductance regulator; plus strand), CFTR-AS2 (CFTR antisense RNA 2; minus strand). Cytogenetic location: 7q31.2.
Variant type: single nucleotide variant.
Coding change: c.3859G>T on transcript NM_000492.4 (MANE Select); coding-DNA position 3859, G replaced by T.
Protein change: p.Gly1287Ter; replaces glycine 1287 with a stop codon.
Molecular consequence: nonsense.
Genome position (GRCh38, 1-based): chr7:117,642,579, G>T. VCF-style: chr7-117642579-G-T. GRCh37 (hg19) VCF-style: chr7-117282633-G-T.
Other names: short protein forms G1287*.
Identifiers: ClinVar variation 943683 (VCV000943683.8), dbSNP rs1792936385, ClinGen allele CA368975572.

ClinVar aggregate classification (germline): Pathogenic/Likely pathogenic. Review status: criteria provided, multiple submitters, no conflicts (2 of 4 stars). 2 submissions from 2 submitters: Pathogenic (1); Likely pathogenic (1). Last evaluated 2025-09-14.

Conditions:
Cystic fibrosis (CF). Also called: MUCOVISCIDOSIS. Identifiers: Orphanet 586, MedGen C0010674, MONDO:0009061, OMIM 219700. Disease mechanism: loss of function.
CFTR-related disorder (CFTR-RD). Also called: CFTR-related disorders; CFTR-related condition. Identifiers: MedGen C5924204, MONDO:7770004.

Submissions (2):

Natera, Inc.
Classification: Likely pathogenic for CFTR-related disorders. Last evaluated: 2025-09-14. Review status: criteria provided, single submitter. Criteria: Natera Variant Classification Schema (03/2026). Collection method: clinical testing. Allele origin: germline.
Comment: The c.3859G>T variant in CFTR is a nonsense variant predicted to introduce a stop codon at amino acid 1287. This variant is expected to result in nonsense mediated decay, truncation, or a dysfunctional protein product. This variant is rare in the general population with a frequency below the threshold expected for the associated phenotype(s). Given the available evidence, this variant is classified as Likely Pathogenic.

Labcorp Genetics (formerly Invitae), Labcorp
Classification: Pathogenic for Cystic fibrosis. Last evaluated: 2019-09-15. Review status: criteria provided, single submitter. Criteria: Invitae Variant Classification Sherloc (09022015). Collection method: clinical testing. Allele origin: germline.
Comment: For these reasons, this variant has been classified as Pathogenic. Loss-of-function variants in CFTR are known to be pathogenic (PMID: 1695717, 7691345, 9725922). This variant has not been reported in the literature in individuals with CFTR-related conditions. This variant is not present in population databases (ExAC no frequency). This sequence change creates a premature translational stop signal (p.Gly1287*) in the CFTR gene. It is expected to result in an absent or disrupted protein product.

Literature cited by the submitters: PubMed 1695717 (cited by Labcorp Genetics (formerly Invitae), Labcorp); PubMed 7691345 (cited by Labcorp Genetics (formerly Invitae), Labcorp); PubMed 9725922 (cited by Labcorp Genetics (formerly Invitae), Labcorp).